The following is an entry in ClinVar:

ClinVar aggregate classification (germline): Likely benign (1 of 4 stars; one submission).

Conditions:
DICER1-related tumor predisposition. Also called: DICER1 syndrome; DICER1-related pleuropulmonary blastoma cancer predisposition syndrome. Identifiers: Orphanet 284343, MedGen C3839822, MONDO:0100216.

Submission:

Myriad Genetics, Inc.
Classification: Likely benign for DICER1-related tumor predisposition. Last evaluated: 2026-04-10. Review status: criteria provided, single submitter. Criteria: Myriad Autosomal Dominant, Autosomal Recessive and X-Linked Classification Criteria (2023). Collection method: clinical testing. Allele origin: unknown.
Comment: This variant is considered likely benign. This variant is intronic and is not expected to impact mRNA splicing.

NM_177438.3(DICER1):c.308-17A>T

Gene: DICER1 (dicer 1, ribonuclease III; minus strand). Cytogenetic location: 14q32.13.
Variant type: single nucleotide variant.
Coding change: c.308-17A>T on transcript NM_177438.3 (MANE Select); 17 bases into the intron before coding-DNA position 308, A replaced by T.
Molecular consequence: intron variant.
Genome position (GRCh38, 1-based): chr14:95,131,656, T>A on the plus strand (A>T on the coding strand, the complement: DICER1 is on the minus strand). VCF-style: chr14-95131656-T-A. GRCh37 (hg19) VCF-style: chr14-95597993-T-A.
Other names: c.308-17A>T (NM_001291628.2, NM_030621.4, NM_001395677.1 and 14 more transcripts); c.33+859A>T (NM_001395690.1, NM_001395687.1, NM_001395689.1 and 3 more transcripts); c.34-25A>T (NM_001395686.1); c.-151-17A>T (NM_001395691.1); c.-1261-17A>T (NM_001395697.1).
Identifiers: ClinVar variation 4875964 (VCV004875964.1).